The following is an entry in ClinVar:

ClinVar aggregate classification (germline): Uncertain significance (1 of 4 stars; one submission).

Conditions:
Spermatogenic failure 18. Identifiers: MedGen C4539783, MONDO:0054615, OMIM 617576.
Ciliary dyskinesia, primary, 37 (CILD37). Also called: CILIARY DYSKINESIA, PRIMARY, 37, WITH OR WITHOUT SITUS INVERSUS. Identifiers: MedGen C4539798, MONDO:0033204, OMIM 617577.

Allele frequency attached by ClinVar (database versions not stated): ExAC 0.00001; gnomAD 0.00001; gnomAD exomes 0.00001; TOPMed 0.00002.
gnomAD v4.1: 13 of 1,610,736 alleles (0.00081%); highest among the groups gnomAD compares: Non-Finnish European, 0.001%; no homozygotes.

Submission:

Labcorp Genetics (formerly Invitae), Labcorp
Classification: Uncertain significance for Ciliary dyskinesia, primary, 37; Spermatogenic failure 18. Last evaluated: 2022-10-28. Review status: criteria provided, single submitter. Criteria: Invitae Variant Classification Sherloc (09022015). Collection method: clinical testing. Allele origin: germline.
Comment: In summary, the available evidence is currently insufficient to determine the role of this variant in disease. Therefore, it has been classified as a Variant of Uncertain Significance. Advanced modeling of protein sequence and biophysical properties (such as structural, functional, and spatial information, amino acid conservation, physicochemical variation, residue mobility, and thermodynamic stability) performed at Invitae indicates that this missense variant is not expected to disrupt DNAH1 protein function. This variant has not been reported in the literature in individuals affected with DNAH1-related conditions. This variant is present in population databases (rs776813696, gnomAD 0.002%). This sequence change replaces alanine, which is neutral and non-polar, with valine, which is neutral and non-polar, at codon 1081 of the DNAH1 protein (p.Ala1081Val).

NM_015512.5(DNAH1):c.3242C>T (p.Ala1081Val)

Gene: DNAH1 (dynein axonemal heavy chain 1; plus strand). Cytogenetic location: 3p21.1.
Variant type: single nucleotide variant.
Coding change: c.3242C>T on transcript NM_015512.5 (MANE Select); coding-DNA position 3242, C replaced by T.
Protein change: p.Ala1081Val; replaces alanine 1081 with valine.
Molecular consequence: missense variant.
Genome position (GRCh38, 1-based): chr3:52,353,395, C>T. VCF-style: chr3-52353395-C-T. GRCh37 (hg19) VCF-style: chr3-52387411-C-T.
Other names: short protein forms A1081V.
Identifiers: ClinVar variation 2929603 (VCV002929603.1), dbSNP rs776813696, ClinGen allele CA2433528.
Genomic context (GRCh38, chr3:52,353,395, plus strand): 5'-TGCCTCTGCCGCCTGCCTCTCATGCGTTTCTGTCTTACCCGGCAGCCTGCCAGGAAGTGG[C>T]CTTGGACATCCGGGCCCGCATCGAGGAGTTCAAACCATACATCCCACTGATCCAGGGGCT-3'
Protein context (NP_056327.4, residues 1071-1091): FKDMPACQEV[Ala1081Val]LDIRARIEEF